The following is an entry in ClinVar:

NM_020376.4(PNPLA2):c.1351A>G (p.Asn451Asp)

Gene: PNPLA2 (patatin like domain 2, triacylglycerol lipase; plus strand). Cytogenetic location: 11p15.5.
Variant type: single nucleotide variant.
Coding change: c.1351A>G on transcript NM_020376.4 (MANE Select); coding-DNA position 1351, A replaced by G.
Protein change: p.Asn451Asp; replaces asparagine 451 with aspartic acid.
Molecular consequence: missense variant.
Genome position (GRCh38, 1-based): chr11:824,698, A>G. VCF-style: chr11-824698-A-G. GRCh37 (hg19) VCF-style: chr11-824698-A-G.
Other names: short protein forms N451D.
Identifiers: ClinVar variation 2094033 (VCV002094033.4), dbSNP rs2495568475, ClinGen allele CA378985209.
Genomic context (GRCh38, chr11:824,698, plus strand): 5'-GACGCGCTGGCCAAGTGGGAGGAGTGCCAGCGCCAGCTGCTGCTCGGCCTCTTCTGCACC[A>G]ACGTGGCCTTCCCGCCCGAAGCTCTGCGCATGCGCGCACCCGCCGACCCGGCTCCCGCCC-3'
Protein context (NP_065109.1, residues 441-461): RQLLLGLFCT[Asn451Asp]VAFPPEALRM

ClinVar aggregate classification (germline): Uncertain significance (1 of 4 stars; one submission).

Conditions:
Neutral lipid storage myopathy (NLSDM). Also called: NEUTRAL LIPID STORAGE DISEASE WITHOUT ICHTHYOSIS. Identifiers: Orphanet 98908, MedGen C1853136, MONDO:0012545, OMIM 610717.

Submission:

Labcorp Genetics (formerly Invitae), Labcorp
Classification: Uncertain significance for Neutral lipid storage myopathy. Last evaluated: 2022-11-08. Review status: criteria provided, single submitter. Criteria: Invitae Variant Classification Sherloc (09022015). Collection method: clinical testing. Allele origin: germline.
Comment: This sequence change replaces asparagine, which is neutral and polar, with aspartic acid, which is acidic and polar, at codon 451 of the PNPLA2 protein (p.Asn451Asp). In summary, the available evidence is currently insufficient to determine the role of this variant in disease. Therefore, it has been classified as a Variant of Uncertain Significance. Algorithms developed to predict the effect of missense changes on protein structure and function output the following: SIFT: "Tolerated"; PolyPhen-2: "Benign"; Align-GVGD: "Class C0". The aspartic acid amino acid residue is found in multiple mammalian species, which suggests that this missense change does not adversely affect protein function. This variant has not been reported in the literature in individuals affected with PNPLA2-related conditions. This variant is not present in population databases (gnomAD no frequency).